The following is an entry in ClinVar:

ClinVar aggregate classification (germline): Uncertain significance. Review status: criteria provided, multiple submitters, no conflicts (2 of 4 stars). 5 submissions from 5 submitters: Uncertain significance (4). 1 of the submissions does not count toward it. Last evaluated 2025-11-07.

Conditions:
Inborn genetic diseases. Identifiers: MedGen C0950123, MeSH D030342.
Nemaline myopathy 2 (NEM2). Also called: Nemaline myopathy 2, autosomal recessive. Identifiers: MedGen C1850569, MONDO:0009725, OMIM 256030.

Allele frequency attached by ClinVar (database versions not stated): TOPMed 0.00001; gnomAD 0.00002 and 0.00003; gnomAD exomes 0.00002 and 0.00004; ExAC 0.00004.
gnomAD v4.1: 55 of 1,612,644 alleles (0.0034%); highest among the groups gnomAD compares: Non-Finnish European, 0.0047%; no homozygotes.

Submissions (5):

Ambry Genetics
Classification: Uncertain significance for Inborn genetic diseases. Last evaluated: 2025-11-07. Review status: criteria provided, single submitter. Criteria: Ambry Variant Classification Scheme 2023. Collection method: clinical testing. Allele origin: germline.

Revvity Omics, Revvity
Classification: Uncertain significance. Last evaluated: 2024-08-13. Review status: criteria provided, single submitter. Criteria: ACMG Guidelines, 2015. Collection method: clinical testing. Allele origin: germline.

Labcorp Genetics (formerly Invitae), Labcorp
Classification: Uncertain significance for Nemaline myopathy 2. Last evaluated: 2022-07-01. Review status: criteria provided, single submitter. Criteria: Invitae Variant Classification Sherloc (09022015). Collection method: clinical testing. Allele origin: germline.
Comment: This sequence change replaces threonine, which is neutral and polar, with alanine, which is neutral and non-polar, at codon 5893 of the NEB protein (p.Thr5893Ala). This variant is present in population databases (rs762095177, gnomAD 0.004%). This variant has not been reported in the literature in individuals affected with NEB-related conditions. ClinVar contains an entry for this variant (Variation ID: 450153). Algorithms developed to predict the effect of missense changes on protein structure and function are either unavailable or do not agree on the potential impact of this missense change (SIFT: "Deleterious"; PolyPhen-2: "Not Available"; Align-GVGD: "Class C0"). In summary, the available evidence is currently insufficient to determine the role of this variant in disease. Therefore, it has been classified as a Variant of Uncertain Significance.

GeneDx
Classification: Uncertain significance. Last evaluated: 2020-01-28. Review status: criteria provided, single submitter. Criteria: GeneDx Variant Classification Process June 2021. Collection method: clinical testing. Allele origin: germline. Affected: yes.
Comment: Not observed at a significant frequency in large population cohorts (Lek et al., 2016); In silico analysis, which includes protein predictors and evolutionary conservation, supports that this variant does not alter protein structure/function; Has not been previously published as pathogenic or benign to our knowledge

Natera, Inc.
Classification: Uncertain significance for Nemaline myopathy type 2. Last evaluated: 2020-03-10. Review status: no assertion criteria provided. Collection method: clinical testing. Allele origin: germline. Not counted in ClinVar's aggregate classification.

NM_001164508.2(NEB):c.17677A>G (p.Thr5893Ala)

Gene: NEB (nebulin; minus strand). Cytogenetic location: 2q23.3.
Variant type: single nucleotide variant.
Coding change: c.17677A>G on transcript NM_001164508.2 (MANE Select); coding-DNA position 17677, A replaced by G.
Protein change: p.Thr5893Ala; replaces threonine 5893 with alanine.
Molecular consequence: missense variant.
Genome position (GRCh38, 1-based): chr2:151,568,375, T>C on the plus strand (A>G on the coding strand, the complement: NEB is on the minus strand). VCF-style: chr2-151568375-T-C. GRCh37 (hg19) VCF-style: chr2-152424889-T-C.
Other names: c.17677A>G, p.Thr5893Ala (NM_001164507.2, NM_001271208.2); c.12574A>G, p.Thr4192Ala (NM_004543.5); c.12574A>G (NM_004543.4); short protein forms T5893A, T4192A.
Identifiers: ClinVar variation 450153 (VCV000450153.12), dbSNP rs762095177, ClinGen allele CA1908137.